The following is an entry in ClinVar:

NM_052947.4(ALPK2):c.1067T>C (p.Leu356Ser)

Genes: ALPK2 (alpha kinase 2; minus strand), LOC114803473 (ALPK2 eExon liver enhancer; plus strand). Cytogenetic location: 18q21.31.
Variant type: single nucleotide variant.
Coding change: c.1067T>C on transcript NM_052947.4 (MANE Select); coding-DNA position 1067, T replaced by C.
Protein change: p.Leu356Ser; replaces leucine 356 with serine.
Molecular consequence: missense variant.
Genome position (GRCh38, 1-based): chr18:58,579,709, A>G on the plus strand (T>C on the coding strand, the complement: ALPK2 is on the minus strand). VCF-style: chr18-58579709-A-G. GRCh37 (hg19) VCF-style: chr18-56246941-A-G.
Other names: short protein forms L356S.
Identifiers: ClinVar variation 2625994 (VCV002625994.2), dbSNP rs2518899505, ClinGen allele CA402564870.

ClinVar aggregate classification (germline): Uncertain significance (1 of 4 stars; one submission).

Submission:

Ambry Genetics
Classification: Uncertain significance. Last evaluated: 2023-07-09. Review status: criteria provided, single submitter. Criteria: Ambry Variant Classification Scheme 2023. Collection method: clinical testing. Allele origin: germline.
Comment: The p.L356S variant (also known as c.1067T>C), located in coding exon 3 of the ALPK2 gene, results from a T to C substitution at nucleotide position 1067. The leucine at codon 356 is replaced by serine, an amino acid with dissimilar properties. This amino acid position is conserved. In addition, the in silico prediction for this alteration is inconclusive. Since supporting evidence is limited at this time, the clinical significance of this alteration remains unclear.